The following is an entry in ClinVar:

NM_013247.5(HTRA2):c.500T>G (p.Leu167Arg)

Genes: HTRA2 (HtrA serine peptidase 2; plus strand), LOC129934140 (ATAC-STARR-seq lymphoblastoid active region 16072; plus strand). Cytogenetic location: 2p13.1.
Variant type: single nucleotide variant.
Coding change: c.500T>G on transcript NM_013247.5 (MANE Select); coding-DNA position 500, T replaced by G.
Protein change: p.Leu167Arg; replaces leucine 167 with arginine.
Molecular consequence: missense variant. On other transcripts: non-coding transcript variant (4).
Genome position (GRCh38, 1-based): chr2:74,530,506, T>G. VCF-style: chr2-74530506-T-G. GRCh37 (hg19) VCF-style: chr2-74757633-T-G.
Other names: c.500T>G, p.Leu167Arg (NM_001321727.1, NM_001321728.1, NM_145074.2); short protein forms L167R.
Identifiers: ClinVar variation 1987201 (VCV001987201.4), dbSNP rs1675510393, ClinGen allele CA347378749.

ClinVar aggregate classification (germline): Uncertain significance. Review status: criteria provided, multiple submitters, no conflicts (2 of 4 stars). 2 submissions from 2 submitters: Uncertain significance (2). Last evaluated 2025-11-13.

Conditions:
Inborn genetic diseases. Identifiers: MedGen C0950123, MeSH D030342.

Allele frequency attached by ClinVar (database versions not stated): gnomAD 0.00001; TOPMed 0.00003.
gnomAD v4.1: 4 of 1,611,968 alleles (0.00025%); highest among the groups gnomAD compares: Admixed American, 0.0017%; no homozygotes.

Submissions (2):

Ambry Genetics
Classification: Uncertain significance for Inborn genetic diseases. Last evaluated: 2025-11-13. Review status: criteria provided, single submitter. Criteria: Ambry Variant Classification Scheme 2023. Collection method: clinical testing. Allele origin: germline.

Labcorp Genetics (formerly Invitae), Labcorp
Classification: Uncertain significance. Last evaluated: 2022-03-18. Review status: criteria provided, single submitter. Criteria: Invitae Variant Classification Sherloc (09022015). Collection method: clinical testing. Allele origin: germline.
Comment: In summary, the available evidence is currently insufficient to determine the role of this variant in disease. Therefore, it has been classified as a Variant of Uncertain Significance. Algorithms developed to predict the effect of missense changes on protein structure and function are either unavailable or do not agree on the potential impact of this missense change (SIFT: "Deleterious"; PolyPhen-2: "Probably Damaging"; Align-GVGD: "Class C0"). This variant has not been reported in the literature in individuals affected with HTRA2-related conditions. This variant is not present in population databases (gnomAD no frequency). This sequence change replaces leucine, which is neutral and non-polar, with arginine, which is basic and polar, at codon 167 of the HTRA2 protein (p.Leu167Arg).